The following is an entry in ClinVar:

NM_003476.5(CSRP3):c.109T>C (p.Cys37Arg)

Gene: CSRP3 (cysteine and glycine rich protein 3; minus strand). Cytogenetic location: 11p15.1.
Variant type: single nucleotide variant.
Coding change: c.109T>C on transcript NM_003476.5 (MANE Select); coding-DNA position 109, T replaced by C.
Protein change: p.Cys37Arg; replaces cysteine 37 with arginine.
Molecular consequence: missense variant.
Genome position (GRCh38, 1-based): chr11:19,192,340, A>G on the plus strand (T>C on the coding strand, the complement: CSRP3 is on the minus strand). VCF-style: chr11-19192340-A-G. GRCh37 (hg19) VCF-style: chr11-19213887-A-G.
Other names: c.109T>C, p.Cys37Arg (NM_001369404.1); c.109T>C (NM_003476.4); short protein forms C37R.
Identifiers: ClinVar variation 1475134 (VCV001475134.9), dbSNP rs776468900, ClinGen allele CA5916670.

ClinVar aggregate classification (germline): Uncertain significance. Review status: criteria provided, multiple submitters, no conflicts (2 of 4 stars). 2 submissions from 2 submitters: Uncertain significance (2). Last evaluated 2025-02-26.

Conditions:
Hypertrophic cardiomyopathy 12. Identifiers: MedGen C2677491, MONDO:0012804, OMIM 612124.
Dilated cardiomyopathy 1M (CMD1M). Identifiers: Orphanet 154, MedGen C1843808, MONDO:0011840, OMIM 607482.

Allele frequency attached by ClinVar (database versions not stated): ExAC 0.00001; TOPMed 0.00001; gnomAD exomes below 0.00001.

Submissions (2):

Labcorp Genetics (formerly Invitae), Labcorp
Classification: Uncertain significance for Hypertrophic cardiomyopathy 12; Dilated cardiomyopathy 1M. Last evaluated: 2025-02-26. Review status: criteria provided, single submitter. Criteria: Invitae Variant Classification Sherloc (09022015). Collection method: clinical testing. Allele origin: germline.
Comment: This sequence change replaces cysteine, which is neutral and slightly polar, with arginine, which is basic and polar, at codon 37 of the CSRP3 protein (p.Cys37Arg). This variant is present in population databases (rs776468900, gnomAD 0.0009%). This variant has not been reported in the literature in individuals affected with CSRP3-related conditions. ClinVar contains an entry for this variant (Variation ID: 1475134). An algorithm developed to predict the effect of missense changes on protein structure and function (PolyPhen-2) suggests that this variant is likely to be disruptive. In summary, the available evidence is currently insufficient to determine the role of this variant in disease. Therefore, it has been classified as a Variant of Uncertain Significance.

GeneDx
Classification: Uncertain significance. Last evaluated: 2024-03-19. Review status: criteria provided, single submitter. Criteria: GeneDx Variant Classification Process June 2021. Collection method: clinical testing. Allele origin: germline. Affected: yes.
Comment: Not observed at significant frequency in large population cohorts (gnomAD); In silico analysis supports that this missense variant has a deleterious effect on protein structure/function; Has not been previously published as pathogenic or benign to our knowledge